The following is an entry in ClinVar:

NM_000479.5(AMH):c.698T>G (p.Leu233Arg)

Gene: AMH (anti-Mullerian hormone; plus strand). Cytogenetic location: 19p13.3.
Variant type: single nucleotide variant.
Coding change: c.698T>G on transcript NM_000479.5 (MANE Select); coding-DNA position 698, T replaced by G.
Protein change: p.Leu233Arg; replaces leucine 233 with arginine.
Molecular consequence: missense variant.
Genome position (GRCh38, 1-based): chr19:2,250,882, T>G. VCF-style: chr19-2250882-T-G. GRCh37 (hg19) VCF-style: chr19-2250881-T-G.
Other names: short protein forms L233R.
Identifiers: ClinVar variation 4696429 (VCV004696429.1).
Genomic context (GRCh38, chr19:2,250,882, plus strand): 5'-AGCCAGCCGCGTGCCCACCCACCGCAGACTCCCGGCTGAGTACCGCCCGGCTGCAGGCAC[T>G]GCTGTTCGGCGACGACCACCGCTGCTTCACACGGATGACCCCGGCCCTGCTCCTGCTGCC-3'
Protein context (NP_000470.3, residues 223-243): SRLSTARLQA[Leu233Arg]LFGDDHRCFT

ClinVar aggregate classification (germline): Uncertain significance (1 of 4 stars; one submission).

gnomAD v4.1: 3 of 1,574,852 alleles (0.00019%); highest among the groups gnomAD compares: East Asian, 0.0046%; no homozygotes.

Submission:

Labcorp Genetics (formerly Invitae), Labcorp
Classification: Uncertain significance. Last evaluated: 2025-11-03. Review status: criteria provided, single submitter. Criteria: Invitae Variant Classification Sherloc (09022015). Collection method: clinical testing. Allele origin: germline.
Comment: This sequence change replaces leucine, which is neutral and non-polar, with arginine, which is basic and polar, at codon 233 of the AMH protein (p.Leu233Arg). This variant is present in population databases (rs781079125, gnomAD 0.03%), including at least one homozygous and/or hemizygous individual. This missense change has been observed in individual(s) with clinical features of AMH-related conditions (internal data). In at least one individual the data is consistent with being in trans (on the opposite chromosome) from a pathogenic variant. An algorithm developed to predict the effect of missense changes on protein structure and function (PolyPhen-2) suggests that this variant is likely to be disruptive. In summary, the available evidence is currently insufficient to determine the role of this variant in disease. Therefore, it has been classified as a Variant of Uncertain Significance.